The following is an entry in ClinVar:

ClinVar aggregate classification (germline): Likely benign (0 of 4 stars; one submission).

Conditions:
TBC1D4-related disorder. Also called: TBC1D4-related condition.

Allele frequency attached by ClinVar (database versions not stated): TOPMed 0.00007; gnomAD 0.00027; gnomAD exomes 0.00033; ExAC 0.00082; 1000 Genomes Project 0.00180; 1000 Genomes Project 30x 0.00187.
gnomAD v4.1: 530 of 1,613,584 alleles (0.033%); highest among the groups gnomAD compares: South Asian, 0.54%; 3 homozygotes.

Submission:

PreventionGenetics, part of Exact Sciences
Classification: Likely benign for TBC1D4-related condition. Last evaluated: 2020-09-25. Review status: no assertion criteria provided. Collection method: clinical testing. Allele origin: germline.
Comment: This variant is classified as likely benign based on ACMG/AMP sequence variant interpretation guidelines (Richards et al. 2015 PMID: 25741868, with internal and published modifications).

NM_014832.5(TBC1D4):c.3391A>G (p.Ile1131Val)

Gene: TBC1D4 (TBC1 domain family member 4; minus strand). Cytogenetic location: 13q22.2.
Variant type: single nucleotide variant.
Coding change: c.3391A>G on transcript NM_014832.5 (MANE Select); coding-DNA position 3391, A replaced by G.
Protein change: p.Ile1131Val; replaces isoleucine 1131 with valine.
Molecular consequence: missense variant.
Genome position (GRCh38, 1-based): chr13:75,292,197, T>C on the plus strand (A>G on the coding strand, the complement: TBC1D4 is on the minus strand). VCF-style: chr13-75292197-T-C. GRCh37 (hg19) VCF-style: chr13-75866333-T-C.
Other names: c.3367A>G, p.Ile1123Val (NM_001286658.2); c.3202A>G, p.Ile1068Val (NM_001286659.2); short protein forms I1068V, I1123V, I1131V.
Identifiers: ClinVar variation 3057756 (VCV003057756.2), dbSNP rs547977736, ClinGen allele CA7003483.